The following is an entry in ClinVar:

ClinVar aggregate classification (germline): Uncertain significance. Review status: criteria provided, multiple submitters, no conflicts (2 of 4 stars). 3 submissions from 3 submitters: Uncertain significance (3). Last evaluated 2025-02-05.

Conditions:
Hereditary cancer-predisposing syndrome. Also called: Neoplastic Syndromes, Hereditary; Tumor predisposition; Hereditary Cancer Syndrome; Hereditary neoplastic syndrome. Identifiers: Orphanet 140162, MedGen C0027672, MeSH D009386, MONDO:0015356.
Hereditary nonpolyposis colorectal neoplasms. Identifiers: MedGen C0009405, MeSH D003123.

Submissions (3):

Labcorp Genetics (formerly Invitae), Labcorp
Classification: Uncertain significance for Hereditary nonpolyposis colorectal neoplasms. Last evaluated: 2025-02-05. Review status: criteria provided, single submitter. Criteria: Invitae Variant Classification Sherloc (09022015). Collection method: clinical testing. Allele origin: germline.
Comment: This sequence change replaces threonine, which is neutral and polar, with alanine, which is neutral and non-polar, at codon 720 of the MSH6 protein (p.Thr720Ala). This variant is not present in population databases (gnomAD no frequency). This variant has not been reported in the literature in individuals affected with MSH6-related conditions. ClinVar contains an entry for this variant (Variation ID: 924342). Invitae Evidence Modeling of protein sequence and biophysical properties (such as structural, functional, and spatial information, amino acid conservation, physicochemical variation, residue mobility, and thermodynamic stability) indicates that this missense variant is not expected to disrupt MSH6 protein function with a negative predictive value of 95%. In summary, the available evidence is currently insufficient to determine the role of this variant in disease. Therefore, it has been classified as a Variant of Uncertain Significance.

Ambry Genetics
Classification: Uncertain significance for Hereditary cancer-predisposing syndrome. Last evaluated: 2024-11-21. Review status: criteria provided, single submitter. Criteria: Ambry Variant Classification Scheme 2023. Collection method: clinical testing. Allele origin: germline.
Comment: The p.T720A variant (also known as c.2158A>G), located in coding exon 4 of the MSH6 gene, results from an A to G substitution at nucleotide position 2158. The threonine at codon 720 is replaced by alanine, an amino acid with similar properties. This amino acid position is conserved. In addition, this alteration is predicted to be tolerated by in silico analysis. Based on the available evidence, the clinical significance of this variant remains unclear.

Color Diagnostics, LLC DBA Color Health
Classification: Uncertain significance for Hereditary cancer-predisposing syndrome. Last evaluated: 2023-12-05. Review status: criteria provided, single submitter. Criteria: ACMG Guidelines, 2015. Collection method: clinical testing. Allele origin: germline.
Comment: This missense variant replaces threonine with alanine at codon 720 of the MSH6 protein. Computational prediction suggests that this variant may not impact protein structure and function (internally defined REVEL score threshold <= 0.5, PMID: 27666373). To our knowledge, functional studies have not been reported for this variant. This variant has not been reported in individuals affected with MSH6-related disorders in the literature. This variant has not been identified in the general population by the Genome Aggregation Database (gnomAD). The available evidence is insufficient to determine the role of this variant in disease conclusively. Therefore, this variant is classified as a Variant of Uncertain Significance.

NM_000179.3(MSH6):c.2158A>G (p.Thr720Ala)

Gene: MSH6 (mutS homolog 6; plus strand). Cytogenetic location: 2p16.3.
Variant type: single nucleotide variant.
Coding change: c.2158A>G on transcript NM_000179.3 (MANE Select); coding-DNA position 2158, A replaced by G.
Protein change: p.Thr720Ala; replaces threonine 720 with alanine.
Molecular consequence: missense variant.
Genome position (GRCh38, 1-based): chr2:47,800,141, A>G. VCF-style: chr2-47800141-A-G. GRCh37 (hg19) VCF-style: chr2-48027280-A-G.
Other names: c.1768A>G, p.Thr590Ala (NM_001281492.2); c.1252A>G, p.Thr418Ala (NM_001281493.2, NM_001281494.2); short protein forms T720A, T418A, T590A.
Identifiers: ClinVar variation 924342 (VCV000924342.11), dbSNP rs1258419289, ClinGen allele CA346751139.